The following is an entry in ClinVar:

ClinVar aggregate classification (germline): Uncertain significance (1 of 4 stars; one submission).

Submission:

Ambry Genetics
Classification: Uncertain significance. Last evaluated: 2025-01-20. Review status: criteria provided, single submitter. Criteria: Ambry Variant Classification Scheme 2023. Collection method: clinical testing. Allele origin: germline.
Comment: The p.H329Q variant (also known as c.987C>A), located in coding exon 9 of the FAM175A gene, results from a C to A substitution at nucleotide position 987. The histidine at codon 329 is replaced by glutamine, an amino acid with highly similar properties. This amino acid position is conserved. In addition, this alteration is predicted to be tolerated by in silico analysis. Based on the available evidence, the clinical significance of this variant remains unclear.

NM_139076.3(ABRAXAS1):c.987C>A (p.His329Gln)

Gene: ABRAXAS1 (abraxas 1, BRCA1 A complex subunit; minus strand). Cytogenetic location: 4q21.23.
Variant type: single nucleotide variant.
Coding change: c.987C>A on transcript NM_139076.3 (MANE Select); coding-DNA position 987, C replaced by A.
Protein change: p.His329Gln; replaces histidine 329 with glutamine.
Molecular consequence: missense variant.
Genome position (GRCh38, 1-based): chr4:83,462,712, G>T on the plus strand (C>A on the coding strand, the complement: ABRAXAS1 is on the minus strand). VCF-style: chr4-83462712-G-T. GRCh37 (hg19) VCF-style: chr4-84383865-G-T.
Other names: c.660C>A, p.His220Gln (NM_001345962.2); short protein forms H220Q, H329Q.
Identifiers: ClinVar variation 3798926 (VCV003798926.1).